The following is an entry in ClinVar:

NM_002098.6(GUCA1B):c.131G>A (p.Arg44His)

Gene: GUCA1B (guanylate cyclase activator 1B; minus strand). Cytogenetic location: 6p21.1.
Variant type: single nucleotide variant.
Coding change: c.131G>A on transcript NM_002098.6 (MANE Select); coding-DNA position 131, G replaced by A.
Protein change: p.Arg44His; replaces arginine 44 with histidine.
Molecular consequence: missense variant.
Genome position (GRCh38, 1-based): chr6:42,194,690, C>T on the plus strand (G>A on the coding strand, the complement: GUCA1B is on the minus strand). VCF-style: chr6-42194690-C-T. GRCh37 (hg19) VCF-style: chr6-42162428-C-T.
Other names: short protein forms R44H.
Identifiers: ClinVar variation 1504665 (VCV001504665.6), dbSNP rs970558227, ClinGen allele CA138152891.

ClinVar aggregate classification (germline): Uncertain significance (1 of 4 stars; one submission).

Allele frequency attached by ClinVar (database versions not stated): gnomAD exomes 0.00001.

Submission:

Labcorp Genetics (formerly Invitae), Labcorp
Classification: Uncertain significance. Last evaluated: 2023-07-21. Review status: criteria provided, single submitter. Criteria: Invitae Variant Classification Sherloc (09022015). Collection method: clinical testing. Allele origin: germline.
Comment: This sequence change replaces arginine, which is basic and polar, with histidine, which is basic and polar, at codon 44 of the GUCA1B protein (p.Arg44His). The frequency data for this variant in the population databases is considered unreliable, as metrics indicate poor data quality at this position in the gnomAD database. This missense change has been observed in individual(s) with retinitis pigmentosa (PMID: 25698705). It has also been observed to segregate with disease in related individuals. ClinVar contains an entry for this variant (Variation ID: 1504665). Algorithms developed to predict the effect of missense changes on protein structure and function output the following: SIFT: "Not Available"; PolyPhen-2: "Benign"; Align-GVGD: "Not Available". The histidine amino acid residue is found in multiple mammalian species, which suggests that this missense change does not adversely affect protein function. In summary, the available evidence is currently insufficient to determine the role of this variant in disease. Therefore, it has been classified as a Variant of Uncertain Significance.

Literature cited by the submitters: PubMed 25698705.